The following is an entry in ClinVar:

ClinVar aggregate classification (germline): Uncertain significance (1 of 4 stars; one submission).

Conditions:
Inborn genetic diseases. Identifiers: MedGen C0950123, MeSH D030342.

gnomAD v4.1: 3 of 1,614,096 alleles (0.00019%); highest among the groups gnomAD compares: Non-Finnish European, 0.00017%; no homozygotes.

Submission:

Ambry Genetics
Classification: Uncertain significance for Inborn genetic diseases. Last evaluated: 2023-03-20. Review status: criteria provided, single submitter. Criteria: Ambry Variant Classification Scheme 2023. Collection method: clinical testing. Allele origin: germline.
Comment: The p.V370L variant (also known as c.1108G>C), located in coding exon 4 of the ATR gene, results from a G to C substitution at nucleotide position 1108. The valine at codon 370 is replaced by leucine, an amino acid with highly similar properties. This amino acid position is conserved. In addition, this alteration is predicted to be tolerated by in silico analysis. Since supporting evidence is limited at this time, the clinical significance of this alteration remains unclear.

NM_001184.4(ATR):c.1108G>C (p.Val370Leu)

Gene: ATR (ATR checkpoint kinase; minus strand). Cytogenetic location: 3q23.
Variant type: single nucleotide variant.
Coding change: c.1108G>C on transcript NM_001184.4 (MANE Select); coding-DNA position 1108, G replaced by C.
Protein change: p.Val370Leu; replaces valine 370 with leucine.
Molecular consequence: missense variant.
Genome position (GRCh38, 1-based): chr3:142,562,294, C>G on the plus strand (G>C on the coding strand, the complement: ATR is on the minus strand). VCF-style: chr3-142562294-C-G. GRCh37 (hg19) VCF-style: chr3-142281136-C-G.
Other names: c.1108G>C, p.Val370Leu (NM_001354579.2); short protein forms V370L.
Identifiers: ClinVar variation 2567781 (VCV002567781.2), dbSNP rs773257754, ClinGen allele CA354823684.